The following is an entry in ClinVar:

NM_138704.4(NSMCE3):c.42G>C (p.Gln14His)

Genes: ENTREP2 (endosomal transmembrane epsin interactor 2; minus strand), NSMCE3 (NSE3 component of SMC5/6 complex; minus strand). Cytogenetic location: 15q13.1.
Variant type: single nucleotide variant.
Coding change: c.42G>C on transcript NM_138704.4 (MANE Select); coding-DNA position 42, G replaced by C.
Protein change: p.Gln14His; replaces glutamine 14 with histidine.
Molecular consequence: missense variant. On other transcripts: intron variant (5).
Genome position (GRCh38, 1-based): chr15:29,269,664, C>G on the plus strand (G>C on the coding strand, the complement: NSMCE3 is on the minus strand). VCF-style: chr15-29269664-C-G. GRCh37 (hg19) VCF-style: chr15-29561868-C-G.
Other names: c.-12-17186G>C (NM_001387217.1, NM_001387215.1, NM_001387216.1); c.277-17186G>C (NM_001387214.1, NM_015307.2); short protein forms Q14H.
Identifiers: ClinVar variation 2342926 (VCV002342926.5), dbSNP rs547945176, ClinGen allele CA7446254.

ClinVar aggregate classification (germline): Uncertain significance. Review status: criteria provided, multiple submitters, no conflicts (2 of 4 stars). 3 submissions from 3 submitters: Uncertain significance (2). 1 of the submissions does not count toward it. Last evaluated 2024-11-26.

Conditions:
NSMCE3-related disorder. Also called: NSMCE3-related condition.

Allele frequency attached by ClinVar (database versions not stated): 1000 Genomes Project 0.00040; 1000 Genomes Project 30x 0.00062; gnomAD 0.00080; ExAC 0.00084; gnomAD exomes 0.00094; TOPMed 0.00111.
gnomAD v4.1: 1,464 of 1,562,782 alleles (0.094%); highest among the groups gnomAD compares: Admixed American, 0.14%; no homozygotes.

Submissions (3):

Blueprint Genetics
Classification: Uncertain significance. Last evaluated: 2024-11-26. Review status: criteria provided, single submitter. Criteria: ACMG Guidelines, 2015. Collection method: clinical testing. Allele origin: germline.

Ambry Genetics
Classification: Uncertain significance. Last evaluated: 2023-12-18. Review status: criteria provided, single submitter. Criteria: Ambry Variant Classification Scheme 2023. Collection method: clinical testing. Allele origin: germline.

PreventionGenetics, part of Exact Sciences
Classification: Likely benign for NSMCE3-related condition. Last evaluated: 2023-11-22. Review status: no assertion criteria provided. Collection method: clinical testing. Allele origin: germline. Not counted in ClinVar's aggregate classification.
Comment: This variant is classified as likely benign based on ACMG/AMP sequence variant interpretation guidelines (Richards et al. 2015 PMID: 25741868, with internal and published modifications).